The following is an entry in ClinVar:

ClinVar aggregate classification (germline): Uncertain significance (1 of 4 stars; one submission).

Conditions:
Pulmonary fibrosis and/or bone marrow failure, Telomere-related, 3. Also called: PULMONARY FIBROSIS AND/OR BONE MARROW FAILURE SYNDROME, TELOMERE-RELATED, 3. Identifiers: Orphanet 2032, MedGen C4225346, MONDO:0014613, OMIM 616373.
Dyskeratosis congenita, autosomal recessive 5 (DKCB5). Identifiers: MedGen C3554656, MONDO:0014076, OMIM 615190.

Submission:

Labcorp Genetics (formerly Invitae), Labcorp
Classification: Uncertain significance for Dyskeratosis congenita, autosomal recessive 5; Pulmonary fibrosis and/or bone marrow failure, Telomere-related, 3. Last evaluated: 2023-04-10. Review status: criteria provided, single submitter. Criteria: Invitae Variant Classification Sherloc (09022015). Collection method: clinical testing. Allele origin: germline.
Comment: In summary, the available evidence is currently insufficient to determine the role of this variant in disease. Therefore, it has been classified as a Variant of Uncertain Significance. An algorithm developed to predict the effect of missense changes on protein structure and function (PolyPhen-2) suggests that this variant is likely to be disruptive. This variant has not been reported in the literature in individuals affected with RTEL1-related conditions. This variant is not present in population databases (gnomAD no frequency). This sequence change replaces serine, which is neutral and polar, with tyrosine, which is neutral and polar, at codon 130 of the RTEL1 protein (p.Ser130Tyr).

NM_001283009.2(RTEL1):c.389C>A (p.Ser130Tyr)

Genes: RTEL1 (regulator of telomere elongation helicase 1; plus strand), RTEL1-TNFRSF6B (RTEL1-TNFRSF6B readthrough (NMD candidate); plus strand). Cytogenetic location: 20q13.33.
Variant type: single nucleotide variant.
Coding change: c.389C>A on transcript NM_001283009.2 (MANE Select); coding-DNA position 389, C replaced by A.
Protein change: p.Ser130Tyr; replaces serine 130 with tyrosine.
Molecular consequence: missense variant. On other transcripts: non-coding transcript variant (1), 5 prime UTR variant (1).
Genome position (GRCh38, 1-based): chr20:63,661,937, C>A. VCF-style: chr20-63661937-C-A. GRCh37 (hg19) VCF-style: chr20-62293290-C-A.
Other names: c.-281C>A (NM_001283010.1); c.389C>A, p.Ser130Tyr (NM_016434.4, NM_032957.5); short protein forms S130Y.
Identifiers: ClinVar variation 2946526 (VCV002946526.3), dbSNP rs2090028433, ClinGen allele CA409668845.